The following is an entry in ClinVar:

ClinVar aggregate classification (germline): Uncertain significance (1 of 4 stars; one submission).

Conditions:
Neurofibromatosis, type 1 (NF1). Also called: VON RECKLINGHAUSEN DISEASE; Peripheral type neurofibromatosis; NEUROFIBROMATOSIS, TYPE I, SOMATIC; Neurofibromatosis, type I. Identifiers: Orphanet 636, MedGen C0027831, MONDO:0018975, OMIM 162200. Disease mechanism: loss of function.

Submission:

Labcorp Genetics (formerly Invitae), Labcorp
Classification: Uncertain significance for Neurofibromatosis, type 1. Last evaluated: 2024-11-13. Review status: criteria provided, single submitter. Criteria: Invitae Variant Classification Sherloc (09022015). Collection method: clinical testing. Allele origin: germline.
Comment: This sequence change replaces aspartic acid, which is acidic and polar, with tyrosine, which is neutral and polar, at codon 1172 of the NF1 protein (p.Asp1172Tyr). This variant is not present in population databases (gnomAD no frequency). This variant has not been reported in the literature in individuals affected with NF1-related conditions. Invitae Evidence Modeling of protein sequence and biophysical properties (such as structural, functional, and spatial information, amino acid conservation, physicochemical variation, residue mobility, and thermodynamic stability) indicates that this missense variant is expected to disrupt NF1 protein function with a positive predictive value of 95%. In summary, the available evidence is currently insufficient to determine the role of this variant in disease. Therefore, it has been classified as a Variant of Uncertain Significance.

NM_001042492.3(NF1):c.3514G>T (p.Asp1172Tyr)

Gene: NF1 (neurofibromin 1; plus strand). Cytogenetic location: 17q11.2.
Variant type: single nucleotide variant.
Coding change: c.3514G>T on transcript NM_001042492.3 (MANE Select); coding-DNA position 3514, G replaced by T.
Protein change: p.Asp1172Tyr; replaces aspartic acid 1172 with tyrosine.
Molecular consequence: missense variant.
Genome position (GRCh38, 1-based): chr17:31,233,019, G>T. VCF-style: chr17-31233019-G-T. GRCh37 (hg19) VCF-style: chr17-29560037-G-T.
Other names: c.3514G>T, p.Asp1172Tyr (NM_000267.4); short protein forms D1172Y.
Identifiers: ClinVar variation 3634535 (VCV003634535.2).
Genomic context (GRCh38, chr17:31,233,019, plus strand): 5'-GCAAGGCCATGTTAGTAAATTTGCATCTGTTTGTCCACATTAGGCTTAGGTTACCACAAG[G>T]ATCTCCAGACAAGAGCTACATTTATGGAAGTTCTGACAAAAATCCTTCAACAAGGCACAG-3'
Protein context (NP_001035957.1, residues 1162-1182): MHSIGLGYHK[Asp1172Tyr]LQTRATFMEV